The following is an entry in ClinVar:

NM_000064.4(C3):c.1268C>T (p.Thr423Met)

Gene: C3 (complement C3; minus strand). Cytogenetic location: 19p13.3.
Variant type: single nucleotide variant.
Coding change: c.1268C>T on transcript NM_000064.4 (MANE Select); coding-DNA position 1268, C replaced by T.
Protein change: p.Thr423Met; replaces threonine 423 with methionine.
Molecular consequence: missense variant.
Genome position (GRCh38, 1-based): chr19:6,712,258, G>A on the plus strand (C>T on the coding strand, the complement: C3 is on the minus strand). VCF-style: chr19-6712258-G-A. GRCh37 (hg19) VCF-style: chr19-6712269-G-A.
Other names: short protein forms T423M.
Identifiers: ClinVar variation 3771640 (VCV003771640.13).

ClinVar aggregate classification (germline): Uncertain significance (1 of 4 stars; one submission).

gnomAD v4.1: 6 of 1,613,594 alleles (0.00037%); highest among the groups gnomAD compares: African/African-American, 0.0027%; no homozygotes.

Submission:

CeGaT Center for Human Genetics Tuebingen
Classification: Uncertain significance. Last evaluated: 2025-01-01. Review status: criteria provided, single submitter. Criteria: CeGaT Center For Human Genetics Tuebingen Variant Classification Criteria Version 2. Collection method: clinical testing. Allele origin: germline. Affected: yes. Observed: 1 variant allele.
Comment: C3: PM2, PP2, BP4